The following is an entry in ClinVar:

ClinVar aggregate classification (germline): Likely benign. Review status: criteria provided, multiple submitters, no conflicts (2 of 4 stars). 2 submissions from 2 submitters: Likely benign (2). Last evaluated 2018-01-13.

Conditions:
Congenital disorder of glycosylation (CDG). Also called: Carbohydrate-deficient glycoprotein syndrome; Congenital disorders of glycosylation. Identifiers: Orphanet 137, MedGen C0282577, MONDO:0015286.

Allele frequency attached by ClinVar (database versions not stated): gnomAD 0.00841; TOPMed 0.01100; 1000 Genomes Project 30x 0.01187; 1000 Genomes Project 0.01338.

Submissions (2):

Illumina Laboratory Services, Illumina
Classification: Likely benign for Congenital disorder of glycosylation. Last evaluated: 2018-01-13. Review status: criteria provided, single submitter. Criteria: ICSL Variant Classification Criteria 13 December 2019. Collection method: clinical testing. Allele origin: germline.
Comment: This variant was observed in the ICSL laboratory as part of a predisposition screen in an ostensibly healthy population. It had not been previously curated by ICSL or reported in the Human Gene Mutation Database (HGMD: prior to June 1st, 2018), and was therefore a candidate for classification through an automated scoring system. Utilizing variant allele frequency, disease prevalence and penetrance estimates, and inheritance mode, an automated score was calculated to assess if this variant is too frequent to cause the disease. Based on the score and internal cut-off values, a variant classified as likely benign is not then subjected to further curation. The score for this variant resulted in a classification of likely benign for this disease.

Breakthrough Genomics
Classification: Likely benign. Review status: criteria provided, single submitter. Criteria: ACMG Guidelines, 2015. Collection method: not provided. Allele origin: germline. Inheritance: Autosomal recessive inheritance. Affected: yes.

NM_006765.4(TUSC3):c.*2138T>C

Gene: TUSC3 (tumor suppressor candidate 3; plus strand). Cytogenetic location: 8p22.
Variant type: single nucleotide variant.
Coding change: c.*2138T>C on transcript NM_006765.4 (MANE Select); 2138 bases downstream of the stop codon, T replaced by C.
Molecular consequence: 3 prime UTR variant.
Genome position (GRCh38, 1-based): chr8:15,766,294, T>C. VCF-style: chr8-15766294-T-C. GRCh37 (hg19) VCF-style: chr8-15623803-T-C.
Other names: c.*2076T>C (NM_178234.2).
Identifiers: ClinVar variation 362342 (VCV000362342.6), dbSNP rs2604367, ClinGen allele CA10630523.